The following is an entry in ClinVar:

ClinVar aggregate classification (germline): Uncertain significance (1 of 4 stars; one submission).

Submission:

GeneDx
Classification: Uncertain significance. Last evaluated: 2025-05-12. Review status: criteria provided, single submitter. Criteria: GeneDx Variant Classification Process June 2021. Collection method: clinical testing. Allele origin: germline. Affected: yes.
Comment: Not observed at significant frequency in large population cohorts (gnomAD); In silico analysis supports that this missense variant has a deleterious effect on protein structure/function; Has not been previously published as pathogenic or benign to our knowledge

NM_021072.4(HCN1):c.1887C>A (p.Asp629Glu)

Gene: HCN1 (hyperpolarization activated cyclic nucleotide gated potassium channel 1; minus strand). Cytogenetic location: 5p12.
Variant type: single nucleotide variant.
Coding change: c.1887C>A on transcript NM_021072.4 (MANE Select); coding-DNA position 1887, C replaced by A.
Protein change: p.Asp629Glu; replaces aspartic acid 629 with glutamic acid.
Molecular consequence: missense variant.
Genome position (GRCh38, 1-based): chr5:45,262,707, G>T on the plus strand (C>A on the coding strand, the complement: HCN1 is on the minus strand). VCF-style: chr5-45262707-G-T. GRCh37 (hg19) VCF-style: chr5-45262809-G-T.
Other names: short protein forms D629E.
Identifiers: ClinVar variation 4529882 (VCV004529882.1).